The following is an entry in ClinVar:

ClinVar aggregate classification (germline): Uncertain significance (1 of 4 stars; one submission).

Conditions:
Spinocerebellar ataxia, autosomal recessive, with axonal neuropathy 2 (SCAN2). Also called: ATAXIA-OCULOMOTOR APRAXIA 2; Ataxia-ocular apraxia-2; Ataxia with Oculomotor Apraxia; Ataxia with Oculomotor Apraxia Type 2. Identifiers: Orphanet 64753, MedGen C1853761, MONDO:0018996, OMIM 606002.
Amyotrophic lateral sclerosis type 4 (ALS4). Also called: AMYOTROPHIC LATERAL SCLEROSIS 4, JUVENILE; NEURONOPATHY, DISTAL HEREDITARY MOTOR, WITH PYRAMIDAL FEATURES. Identifiers: Orphanet 357043, MedGen C1865409, MONDO:0011223, OMIM 602433.

gnomAD v4.1: 1 of 1,614,068 alleles (0.000062%); highest among the groups gnomAD compares: Non-Finnish European, 0.000085%; no homozygotes.

Submission:

Labcorp Genetics (formerly Invitae), Labcorp
Classification: Uncertain significance for Amyotrophic lateral sclerosis type 4; Spinocerebellar ataxia, autosomal recessive, with axonal neuropathy 2. Last evaluated: 2025-08-13. Review status: criteria provided, single submitter. Criteria: Invitae Variant Classification Sherloc (09022015). Collection method: clinical testing. Allele origin: germline.
Comment: This sequence change replaces proline, which is neutral and non-polar, with threonine, which is neutral and polar, at codon 1868 of the SETX protein (p.Pro1868Thr). This variant is not present in population databases (gnomAD no frequency). This variant has not been reported in the literature in individuals affected with SETX-related conditions. Invitae Evidence Modeling of protein sequence and biophysical properties (such as structural, functional, and spatial information, amino acid conservation, physicochemical variation, residue mobility, and thermodynamic stability) indicates that this missense variant is not expected to disrupt SETX protein function with a negative predictive value of 95%. In summary, the available evidence is currently insufficient to determine the role of this variant in disease. Therefore, it has been classified as a Variant of Uncertain Significance.

NM_015046.7(SETX):c.5602C>A (p.Pro1868Thr)

Gene: SETX (senataxin; minus strand). Cytogenetic location: 9q34.13.
Variant type: single nucleotide variant.
Coding change: c.5602C>A on transcript NM_015046.7 (MANE Select); coding-DNA position 5602, C replaced by A.
Protein change: p.Pro1868Thr; replaces proline 1868 with threonine.
Molecular consequence: missense variant.
Genome position (GRCh38, 1-based): chr9:132,298,259, G>T on the plus strand (C>A on the coding strand, the complement: SETX is on the minus strand). VCF-style: chr9-132298259-G-T. GRCh37 (hg19) VCF-style: chr9-135173646-G-T.
Other names: c.5602C>A, p.Pro1868Thr (NM_001351527.2, NM_001351528.2); short protein forms P1868T.
Identifiers: ClinVar variation 4790917 (VCV004790917.1).
Genomic context (GRCh38, chr9:132,298,259, plus strand): 5'-TTTGTGTAGTTACCAGAGAACTGATTACAATACAATTCACAAGTTCGTTTAAATTGGCCG[G>T]AAAGTTCTCTTGAGTCTGGATGGAAAGGTAACACTCAGTTTTCCCATTACGCACTATCAT-3'
Protein context (NP_055861.3, residues 1858-1878): YLSIQTQENF[Pro1868Thr]ANLNELVNCI